The following is an entry in ClinVar:

ClinVar aggregate classification (germline): Conflicting classifications of pathogenicity. Review status: criteria provided, conflicting classifications (1 of 4 stars). 2 submissions from 2 submitters: Uncertain significance (1); Likely benign (1). Last evaluated 2025-07-17.

Conditions:
Hereditary cancer-predisposing syndrome. Also called: Neoplastic Syndromes, Hereditary; Tumor predisposition; Hereditary Cancer Syndrome; Hereditary neoplastic syndrome. Identifiers: Orphanet 140162, MedGen C0027672, MeSH D009386, MONDO:0015356.

Allele frequency attached by ClinVar (database versions not stated): gnomAD exomes below 0.00001 and 0.00001; TOPMed 0.00002.
gnomAD v4.1: 7 of 1,613,834 alleles (0.00043%); highest among the groups gnomAD compares: Admixed American, 0.0017%; no homozygotes.

Submissions (2):

Labcorp Genetics (formerly Invitae), Labcorp
Classification: Uncertain significance. Last evaluated: 2025-07-17. Review status: criteria provided, single submitter. Criteria: Invitae Variant Classification Sherloc (09022015). Collection method: clinical testing. Allele origin: germline.
Comment: This sequence change replaces glutamic acid, which is acidic and polar, with lysine, which is basic and polar, at codon 1947 of the POLE protein (p.Glu1947Lys). This variant is present in population databases (no rsID available, gnomAD 0.003%). This variant has not been reported in the literature in individuals affected with POLE-related conditions. ClinVar contains an entry for this variant (Variation ID: 473768). An algorithm developed to predict the effect of missense changes on protein structure and function outputs the following: PolyPhen-2: "Benign". The lysine amino acid residue is found in multiple mammalian species, which suggests that this missense change does not adversely affect protein function. In summary, the available evidence is currently insufficient to determine the role of this variant in disease. Therefore, it has been classified as a Variant of Uncertain Significance.

Ambry Genetics
Classification: Likely benign for Hereditary cancer-predisposing syndrome. Last evaluated: 2024-03-29. Review status: criteria provided, single submitter. Criteria: Ambry Variant Classification Scheme 2023. Collection method: clinical testing. Allele origin: germline.

NM_006231.4(POLE):c.5839G>A (p.Glu1947Lys)

Gene: POLE (DNA polymerase epsilon, catalytic subunit; minus strand). Cytogenetic location: 12q24.33.
Variant type: single nucleotide variant.
Coding change: c.5839G>A on transcript NM_006231.4 (MANE Select); coding-DNA position 5839, G replaced by A.
Protein change: p.Glu1947Lys; replaces glutamic acid 1947 with lysine.
Molecular consequence: missense variant.
Genome position (GRCh38, 1-based): chr12:132,634,351, C>T on the plus strand (G>A on the coding strand, the complement: POLE is on the minus strand). VCF-style: chr12-132634351-C-T. GRCh37 (hg19) VCF-style: chr12-133210937-C-T.
Other names: short protein forms E1947K.
Identifiers: ClinVar variation 473768 (VCV000473768.11), dbSNP rs1382652919, ClinGen allele CA387371835.
Genomic context (GRCh38, chr12:132,634,351, plus strand): 5'-CCTCTTCCTCCTCCTCCCCATCTCTTTCCTCCTCATCGTCCTCATTTTCCTGCTCATCCT[C>T]TGCTCCCCCTGCTTTCTGGGAGTCTTGCTGTAACACATGAGACAACGCGGCTGTGTTTGC-3'
Protein context (NP_006222.2, residues 1937-1957): LQDSQKAGGA[Glu1947Lys]DEQENEDDEE